The following is an entry in ClinVar:

ClinVar aggregate classification (germline): Uncertain significance. Review status: criteria provided, multiple submitters, no conflicts (2 of 4 stars). 3 submissions from 3 submitters: Uncertain significance (3). Last evaluated 2024-06-04.

Conditions:
Seizures, benign familial neonatal, 2. Also called: Benign Neonatal Epilepsy 2; CONVULSIONS, BENIGN FAMILIAL NEONATAL, 2; Seizures, benign neonatal, 2; KCNQ3-Related Self-Limited Familial Neonatal Epilepsy (SLFNE); KCNQ3-Related Benign Familial Neonatal Epilepsy. Identifiers: Orphanet 1949, MedGen C1852581, MONDO:0007366, OMIM 121201.
Benign neonatal seizures. Also called: Benign neonatal familial convulsions; Benign familial neonatal seizures; Convulsions benign familial neonatal dominant form; Autosomal dominant form of benign neonatal seizures; Benign familial neonatal epilepsy. Identifiers: Orphanet 1949, MedGen C0220669, MONDO:0016027.

Allele frequency attached by ClinVar (database versions not stated): TOPMed 0.00001; gnomAD exomes 0.00002 and 0.00001; ExAC 0.00002; gnomAD 0.00002; ESP Exome Variant Server 0.00008.
gnomAD v4.1: 15 of 1,608,546 alleles (0.00093%); highest among the groups gnomAD compares: Non-Finnish European, 0.0013%; no homozygotes.

Submissions (3):

Labcorp Genetics (formerly Invitae), Labcorp
Classification: Uncertain significance for Benign neonatal seizures. Last evaluated: 2024-06-04. Review status: criteria provided, single submitter. Criteria: Invitae Variant Classification Sherloc (09022015). Collection method: clinical testing. Allele origin: germline.
Comment: This sequence change replaces aspartic acid, which is acidic and polar, with glycine, which is neutral and non-polar, at codon 569 of the KCNQ3 protein (p.Asp569Gly). This variant is present in population databases (rs372671883, gnomAD 0.004%). This variant has not been reported in the literature in individuals affected with KCNQ3-related conditions. ClinVar contains an entry for this variant (Variation ID: 1313762). Advanced modeling of protein sequence and biophysical properties (such as structural, functional, and spatial information, amino acid conservation, physicochemical variation, residue mobility, and thermodynamic stability) performed at Invitae indicates that this missense variant is expected to disrupt KCNQ3 protein function with a positive predictive value of 80%. In summary, the available evidence is currently insufficient to determine the role of this variant in disease. Therefore, it has been classified as a Variant of Uncertain Significance.

GeneDx
Classification: Uncertain significance. Last evaluated: 2021-07-08. Review status: criteria provided, single submitter. Criteria: GeneDx Variant Classification Process June 2021. Collection method: clinical testing. Allele origin: germline. Affected: yes.
Comment: Reported in the heterozygous state in a patient with epilepsy and low average IQ who also harbored a pathogenic variant in the SCN1A gene (de Lange et al., 2020); Not observed at a significant frequency in large population cohorts (Lek et al., 2016); In silico analysis supports that this variant has a deleterious effect on splicing; In silico analysis supports that this missense variant has a deleterious effect on protein structure/function; This variant is associated with the following publications: (PMID: 32032478, 27535533)

Institute of Human Genetics, University of Goettingen
Classification: Uncertain significance for Seizures, benign familial neonatal, 2. Review status: criteria provided, single submitter. Criteria: ACMG Guidelines, 2015. Collection method: clinical testing. Allele origin: germline. Inheritance: Autosomal dominant inheritance. Observed: 1 heterozygote.

NM_004519.4(KCNQ3):c.1706A>G (p.Asp569Gly)

Gene: KCNQ3 (potassium voltage-gated channel subfamily Q member 3; minus strand). Cytogenetic location: 8q24.22.
Variant type: single nucleotide variant.
Coding change: c.1706A>G on transcript NM_004519.4 (MANE Select); coding-DNA position 1706, A replaced by G.
Protein change: p.Asp569Gly; replaces aspartic acid 569 with glycine.
Molecular consequence: missense variant.
Genome position (GRCh38, 1-based): chr8:132,134,383, T>C on the plus strand (A>G on the coding strand, the complement: KCNQ3 is on the minus strand). VCF-style: chr8-132134383-T-C. GRCh37 (hg19) VCF-style: chr8-133146630-T-C.
Other names: c.1346A>G, p.Asp449Gly (NM_001204824.2); short protein forms D449G, D569G.
Identifiers: ClinVar variation 1313762 (VCV001313762.9), dbSNP rs372671883, ClinGen allele CA4880610.